The following is an entry in ClinVar:

NM_021008.4(DEAF1):c.81G>C (p.Ala27=)

Gene: DEAF1 (DEAF1 transcription factor; minus strand). Cytogenetic location: 11p15.5.
Variant type: single nucleotide variant.
Coding change: c.81G>C on transcript NM_021008.4 (MANE Select); coding-DNA position 81, G replaced by C.
Protein change: p.Ala27=; no amino-acid change (alanine 27 retained).
Molecular consequence: synonymous variant. On other transcripts: intron variant (1).
Genome position (GRCh38, 1-based): chr11:694,967, C>G on the plus strand (G>C on the coding strand, the complement: DEAF1 is on the minus strand). VCF-style: chr11-694967-C-G. GRCh37 (hg19) VCF-style: chr11-694967-C-G.
Other names: c.81G>C, p.Ala27= (NM_001293634.2); c.-437-3369G>C (NM_001367390.1).
Identifiers: ClinVar variation 2181393 (VCV002181393.29), dbSNP rs1385675891, ClinGen allele CA472437915.

ClinVar aggregate classification (germline): Likely benign. Review status: criteria provided, multiple submitters, no conflicts (2 of 4 stars). 3 submissions from 3 submitters: Likely benign (2). 1 of the submissions does not count toward it. Last evaluated 2023-12-13.

Conditions:
DEAF1-related disorder.

Allele frequency attached by ClinVar (database versions not stated): gnomAD 0.00003; gnomAD exomes 0.00003; TOPMed 0.00003.
gnomAD v4.1: 31 of 1,176,268 alleles (0.0026%); highest among the groups gnomAD compares: Admixed American, 0.0046%; no homozygotes.

Submissions (3):

Labcorp Genetics (formerly Invitae), Labcorp
Classification: Likely benign. Last evaluated: 2023-12-13. Review status: criteria provided, single submitter. Criteria: Invitae Variant Classification Sherloc (09022015). Collection method: clinical testing. Allele origin: germline.

CeGaT Center for Human Genetics Tuebingen
Classification: Likely benign. Last evaluated: 2023-01-01. Review status: criteria provided, single submitter. Criteria: CeGaT Center For Human Genetics Tuebingen Variant Classification Criteria Version 2. Collection method: clinical testing. Allele origin: germline. Affected: yes. Observed: 1 variant allele.
Comment: DEAF1: BP4, BP7

PreventionGenetics, part of Exact Sciences
Classification: Likely benign for DEAF1-related condition. Last evaluated: 2019-03-21. Review status: no assertion criteria provided. Collection method: clinical testing. Allele origin: germline. Not counted in ClinVar's aggregate classification.
Comment: This variant is classified as likely benign based on ACMG/AMP sequence variant interpretation guidelines (Richards et al. 2015 PMID: 25741868, with internal and published modifications).